The following is an entry in ClinVar:

ClinVar aggregate classification (germline): Pathogenic (1 of 4 stars; one submission).

Submission:

Labcorp Genetics (formerly Invitae), Labcorp
Classification: Pathogenic. Last evaluated: 2023-01-24. Review status: criteria provided, single submitter. Criteria: Invitae Variant Classification Sherloc (09022015). Collection method: clinical testing. Allele origin: germline.
Comment: This variant has not been reported in the literature in individuals affected with CARMIL2-related conditions. For these reasons, this variant has been classified as Pathogenic. This variant is not present in population databases (gnomAD no frequency). This sequence change creates a premature translational stop signal (p.Cys387Alafs*7) in the CARMIL2 gene. It is expected to result in an absent or disrupted protein product. Loss-of-function variants in CARMIL2 are known to be pathogenic (PMID: 27647349, 28112205).

Literature cited by the submitters: PubMed 27647349; PubMed 28112205.

NM_001013838.3(CARMIL2):c.1158del (p.Cys387fs)

Gene: CARMIL2 (capping protein regulator and myosin 1 linker 2; plus strand). Cytogenetic location: 16q22.1.
Variant type: Deletion.
Coding change: c.1158del on transcript NM_001013838.3 (MANE Select); coding-DNA position 1158, one base deleted (G; older notation c.1158delG).
Protein change: p.Cys387fs; shifts the reading frame from cysteine 387.
Molecular consequence: frameshift variant. On other transcripts: intron variant (1).
Genome position (GRCh38, 1-based): chr16:67,648,138, G deleted; the last of 5 consecutive G bases (chr16:67,648,134-67,648,138); deleting any one gives the same sequence. VCF-style (leftmost placement, unchanged base first): chr16-67648133-AG-A. GRCh37 (hg19) VCF-style: chr16-67682036-AG-A.
Other names: c.1149+9del (NM_001317026.3); short protein forms C387fs.
Identifiers: ClinVar variation 2793508 (VCV002793508.3), dbSNP rs2543545005, ClinGen allele CA2633809796.